The following is an entry in ClinVar:

ClinVar aggregate classification (germline): Benign/Likely benign. Review status: criteria provided, multiple submitters, no conflicts (2 of 4 stars). 7 submissions from 7 submitters: Benign (3); Likely benign (2). 2 of the submissions do not count toward it. Last evaluated 2026-01-31.

Conditions:
VPS13A-related neurodegenerative disease. Also called: Choreoacanthocytosis; Chorea-acanthocytosis; LEVINE-CRITCHLEY SYNDROME; Choreaacanthocytosis; ACANTHOCYTOSIS WITH NEUROLOGIC DISORDER; VPS13A Disease. Identifiers: Orphanet 2388, MedGen C0393576, MONDO:0008695, OMIM 200150.

Allele frequency attached by ClinVar (database versions not stated): 1000 Genomes Project 0.00160; 1000 Genomes Project 30x 0.00172; TOPMed 0.00432; ESP Exome Variant Server 0.00470; gnomAD 0.00615.
gnomAD v4.1: 8,896 of 1,601,452 alleles (0.56%); highest among the groups gnomAD compares: Non-Finnish European, 0.66%; 35 homozygotes.

Submissions (7):

Labcorp Genetics (formerly Invitae), Labcorp
Classification: Benign. Last evaluated: 2026-01-31. Review status: criteria provided, single submitter. Criteria: Invitae Variant Classification Sherloc (09022015). Collection method: clinical testing. Allele origin: germline.

ARUP Laboratories, Molecular Genetics and Genomics, ARUP Laboratories
Classification: Benign for VPS13A-related neurodegenerative disease. Last evaluated: 2024-11-14. Review status: criteria provided, single submitter. Criteria: ARUP Molecular Germline Variant Investigation Process 2024. Collection method: clinical testing. Allele origin: germline.

Fulgent Genetics
Classification: Likely benign for VPS13A-related neurodegenerative disease. Last evaluated: 2021-10-05. Review status: criteria provided, single submitter. Criteria: ACMG Guidelines, 2015. Collection method: clinical testing. Allele origin: unknown.

GeneDx
Classification: Likely benign. Last evaluated: 2020-06-30. Review status: criteria provided, single submitter. Criteria: GeneDx Variant Classification Process June 2021. Collection method: clinical testing. Allele origin: germline. Affected: yes.

Illumina Laboratory Services, Illumina
Classification: Benign for VPS13A-related neurodegenerative disease. Last evaluated: 2018-01-12. Review status: criteria provided, single submitter. Criteria: ICSL Variant Classification Criteria 13 December 2019. Collection method: clinical testing. Allele origin: germline.
Comment: This variant was observed in the ICSL laboratory as part of a predisposition screen in an ostensibly healthy population. It had not been previously curated by ICSL or reported in the Human Gene Mutation Database (HGMD: prior to June 1st, 2018), and was therefore a candidate for classification through an automated scoring system. Utilizing variant allele frequency, disease prevalence and penetrance estimates, and inheritance mode, an automated score was calculated to assess if this variant is too frequent to cause the disease. Based on the score and internal cut-off values, a variant classified as benign is not then subjected to further curation. The score for this variant resulted in a classification of benign for this disease.

Diagnostic Laboratory, Department of Genetics, University Medical Center Groningen
Classification: Likely benign for VPS13A-related neurodegenerative disease. Review status: no assertion criteria provided. Collection method: clinical testing. Allele origin: germline. Affected: yes. Study: VKGL Data-share Consensus. Not counted in ClinVar's aggregate classification.

Genome Diagnostics Laboratory, Amsterdam University Medical Center
Classification: Benign. Review status: no assertion criteria provided. Collection method: clinical testing. Allele origin: germline. Affected: yes. Study: VKGL Data-share Consensus. Not counted in ClinVar's aggregate classification.

NM_033305.3(VPS13A):c.9400-15A>C

Gene: VPS13A (vacuolar protein sorting 13 homolog A; plus strand). Cytogenetic location: 9q21.2.
Variant type: single nucleotide variant.
Coding change: c.9400-15A>C on transcript NM_033305.3 (MANE Select); 15 bases into the intron before coding-DNA position 9400, A replaced by C.
Molecular consequence: intron variant.
Genome position (GRCh38, 1-based): chr9:77,407,518, A>C. VCF-style: chr9-77407518-A-C. GRCh37 (hg19) VCF-style: chr9-80022434-A-C.
Other names: c.9283-15A>C (NM_001018037.2).
Identifiers: ClinVar variation 367433 (VCV000367433.17), dbSNP rs117688596, ClinGen allele CA5094051.